The following is an entry in ClinVar:

ClinVar aggregate classification (germline): Uncertain significance (1 of 4 stars; one submission).

Conditions:
Fetal akinesia deformation sequence 1 (FADS1). Also called: Pena-Shokeir syndrome type I; Fetal akinesia sequence. Identifiers: Orphanet 994, MedGen C1276035, MONDO:0100101, OMIM 208150, HP:0001989.
Congenital myasthenic syndrome 11. Also called: MYASTHENIC SYNDROME, CONGENITAL, Ie; Myasthenic syndrome, congenital, 11, associated with acetylcholine receptor deficiency. Identifiers: Orphanet 590, MedGen C4225367, MONDO:0014588, OMIM 616326.

Allele frequency attached by ClinVar (database versions not stated): gnomAD exomes below 0.00001.
gnomAD v4.1: 1 of 1,613,056 alleles (0.000062%); highest among the groups gnomAD compares: Non-Finnish European, 0.000085%; no homozygotes.

Submission:

Labcorp Genetics (formerly Invitae), Labcorp
Classification: Uncertain significance for Congenital myasthenic syndrome 11; Fetal akinesia deformation sequence 1. Last evaluated: 2022-03-08. Review status: criteria provided, single submitter. Criteria: Invitae Variant Classification Sherloc (09022015). Collection method: clinical testing. Allele origin: germline.
Comment: This variant has not been reported in the literature in individuals affected with RAPSN-related conditions. This variant is not present in population databases (gnomAD no frequency). This sequence change replaces histidine, which is basic and polar, with tyrosine, which is neutral and polar, at codon 53 of the RAPSN protein (p.His53Tyr). In summary, the available evidence is currently insufficient to determine the role of this variant in disease. Therefore, it has been classified as a Variant of Uncertain Significance. Advanced modeling of protein sequence and biophysical properties (such as structural, functional, and spatial information, amino acid conservation, physicochemical variation, residue mobility, and thermodynamic stability) performed at Invitae indicates that this missense variant is expected to disrupt RAPSN protein function.

NM_005055.5(RAPSN):c.157C>T (p.His53Tyr)

Gene: RAPSN (receptor associated protein of the synapse; minus strand). Cytogenetic location: 11p11.2.
Variant type: single nucleotide variant.
Coding change: c.157C>T on transcript NM_005055.5 (MANE Select); coding-DNA position 157, C replaced by T.
Protein change: p.His53Tyr; replaces histidine 53 with tyrosine.
Molecular consequence: missense variant.
Genome position (GRCh38, 1-based): chr11:47,448,808, G>A on the plus strand (C>T on the coding strand, the complement: RAPSN is on the minus strand). VCF-style: chr11-47448808-G-A. GRCh37 (hg19) VCF-style: chr11-47470360-G-A.
Other names: c.157C>T, p.His53Tyr (NM_032645.5); short protein forms H53Y.
Identifiers: ClinVar variation 1378493 (VCV001378493.6), dbSNP rs2076431469, ClinGen allele CA380335879.